The following is an entry in ClinVar:

NM_001042492.3(NF1):c.695_696insTATAAATCATGCTGCTATAAAGACACATGCACACGTATGTTTATTGCGGCACTATTCACAATAGCAAAGACTNNNNNNNNNNNNNNNNNNNNNNNNNNAAAAAAAAAAAAAAAAAAAAAAAAAAAAAAAAAAAAAAAAAAAAAAAAAAAAAAA (p.Thr232_Lys233insIleAsnHisAlaAlaIleLysThrHisAlaHisValCysLeuLeuArgHisTyrSerGlnTer)

Gene: NF1 (neurofibromin 1; plus strand). Cytogenetic location: 17q11.2.
Variant type: Insertion.
Coding change: c.695_696insTATAAATCATGCTGCTATAAAGACACATGCACACGTATGTTTATTGCGGCACTATTCACAATAGCAAAGACTNNNNNNNNNNNNNNNNNNNNNNNNNNAAAAAAAAAAAAAAAAAAAAAAAAAAAAAAAAAAAAAAAAAAAAAAAAAAAAAAA on transcript NM_001042492.3 (MANE Select); coding-DNA positions 695 to 696, TATAAATCATGCTGCTATAAAGACACATGCACACGTATGTTTATTGCGGCACTATTCACAATAGCAAAGACTNNNNNNNNNNNNNNNNNNNNNNNNNNAAAAAAAAAAAAAAAAAAAAAAAAAAAAAAAAAAAAAAAAAAAAAAAAAAAAAAA inserted.
Protein change: p.Thr232_Lys233insIleAsnHisAlaAlaIleLysThrHisAlaHisValCysLeuLeuArgHisTyrSerGlnTer.
Molecular consequence: nonsense, inframe insertion.
Genome position: GRCh38: chr17:31,181,750-31,181,751. GRCh37 (hg19): chr17:29,508,768-29,508,769.
Other names: c.695_696insTATAAATCATGCTGCTATAAAGACACATGCACACGTATGTTTATTGCGGCACTATTCACAATAGCAAAGACTNNNNNNNNNNNNNNNNNNNNNNNNNNAAAAAAAAAAAAAAAAAAAAAAAAAAAAAAAAAAAAAAAAAAAAAAAAAAAAAAA, p.Thr232_Lys233insIleAsnHisAlaAlaIleLysThrHisAlaHisValCysLeuLeuArgHisTyrSerGlnTer (NM_000267.4, NM_001128147.3).
Identifiers: ClinVar variation 4734749 (VCV004734749.1).

ClinVar aggregate classification (germline): Pathogenic (1 of 4 stars; one submission).

Conditions:
Neurofibromatosis, type 1 (NF1). Also called: VON RECKLINGHAUSEN DISEASE; Peripheral type neurofibromatosis; NEUROFIBROMATOSIS, TYPE I, SOMATIC; Neurofibromatosis, type I. Identifiers: Orphanet 636, MedGen C0027831, MONDO:0018975, OMIM 162200. Disease mechanism: loss of function.

Submission:

Labcorp Genetics (formerly Invitae), Labcorp
Classification: Pathogenic for Neurofibromatosis, type 1. Last evaluated: 2026-01-05. Review status: criteria provided, single submitter. Criteria: Invitae Variant Classification Sherloc (09022015). Collection method: clinical testing. Allele origin: germline.
Comment: This sequence change inserts a large fragment of DNA, likely a transposable element, in exon 7 of the NF1 gene (c.695_696ins?), causing a frameshift at codon 233 (p.Lys233fs). The exact size and sequence of the insertion cannot be determined by the current assay. However, the insertion is expected to result in an absent or disrupted protein product. This variant is not present in population databases (gnomAD no frequency). This variant has not been reported in the literature in individuals affected with NF1-related conditions. Retrotransposon insertions including LINE1 (L1), Alu, and SVA (SINE-VNTR-Alu) have been reported to be disease-causing through disruption of either a coding region or splice site (PMID: 19763152, 20307669, 22406018) and loss-of-function variants in NF1 are known to be pathogenic (PMID: 10712197, 23913538). For these reasons, this variant has been classified as Pathogenic.

Literature cited by the submitters: PubMed 19763152; PubMed 20307669; PubMed 22406018; PubMed 10712197; PubMed 23913538.